The following is an entry in ClinVar:

NM_000554.6(CRX):c.106C>T (p.Pro36Ser)

Gene: CRX (cone-rod homeobox; plus strand). Cytogenetic location: 19q13.33.
Variant type: single nucleotide variant.
Coding change: c.106C>T on transcript NM_000554.6 (MANE Select); coding-DNA position 106, C replaced by T.
Protein change: p.Pro36Ser; replaces proline 36 with serine.
Molecular consequence: missense variant.
Genome position (GRCh38, 1-based): chr19:47,836,248, C>T. VCF-style: chr19-47836248-C-T. GRCh37 (hg19) VCF-style: chr19-48339505-C-T.
Other names: short protein forms P36S.
Identifiers: ClinVar variation 1720406 (VCV001720406.5), dbSNP rs2514252109, ClinGen allele CA406629378.

ClinVar aggregate classification (germline): Uncertain significance (1 of 4 stars; one submission).

Conditions:
Leber congenital amaurosis 7 (LCA7). Identifiers: Orphanet 65, MedGen C3151192, MONDO:0013449, OMIM 613829.
Cone-rod dystrophy 2 (CORD2). Also called: CONE-ROD RETINAL DYSTROPHY; Cone-rod retinal dystrophy 2. Identifiers: Orphanet 1872, MedGen C3489532, MONDO:0007362, OMIM 120970.

Submission:

Labcorp Genetics (formerly Invitae), Labcorp
Classification: Uncertain significance for Cone-rod dystrophy 2; Leber congenital amaurosis 7. Last evaluated: 2022-09-26. Review status: criteria provided, single submitter. Criteria: Invitae Variant Classification Sherloc (09022015). Collection method: clinical testing. Allele origin: germline.
Comment: This sequence change replaces proline, which is neutral and non-polar, with serine, which is neutral and polar, at codon 36 of the CRX protein (p.Pro36Ser). This variant is not present in population databases (gnomAD no frequency). This variant has not been reported in the literature in individuals affected with CRX-related conditions. Advanced modeling of protein sequence and biophysical properties (such as structural, functional, and spatial information, amino acid conservation, physicochemical variation, residue mobility, and thermodynamic stability) performed at Invitae indicates that this missense variant is not expected to disrupt CRX protein function. In summary, the available evidence is currently insufficient to determine the role of this variant in disease. Therefore, it has been classified as a Variant of Uncertain Significance.